The following is an entry in ClinVar:

ClinVar aggregate classification (germline): Uncertain significance (1 of 4 stars; one submission).

Allele frequency attached by ClinVar (database versions not stated): gnomAD exomes below 0.00001; ExAC 0.00001.
gnomAD v4.1: 2 of 1,614,096 alleles (0.00012%); highest among the groups gnomAD compares: South Asian, 0.0011%; no homozygotes.

Submission:

Labcorp Genetics (formerly Invitae), Labcorp
Classification: Uncertain significance. Last evaluated: 2022-06-09. Review status: criteria provided, single submitter. Criteria: Invitae Variant Classification Sherloc (09022015). Collection method: clinical testing. Allele origin: germline.
Comment: This sequence change replaces serine, which is neutral and polar, with glycine, which is neutral and non-polar, at codon 1433 of the NBAS protein (p.Ser1433Gly). In summary, the available evidence is currently insufficient to determine the role of this variant in disease. Therefore, it has been classified as a Variant of Uncertain Significance. Algorithms developed to predict the effect of missense changes on protein structure and function (SIFT, PolyPhen-2, Align-GVGD) all suggest that this variant is likely to be disruptive. This variant has not been reported in the literature in individuals affected with NBAS-related conditions. This variant is present in population databases (rs747693892, gnomAD 0.003%).

NM_015909.4(NBAS):c.4297A>G (p.Ser1433Gly)

Gene: NBAS (NBAS subunit of NRZ tethering complex; minus strand). Cytogenetic location: 2p24.3.
Variant type: single nucleotide variant.
Coding change: c.4297A>G on transcript NM_015909.4 (MANE Select); coding-DNA position 4297, A replaced by G.
Protein change: p.Ser1433Gly; replaces serine 1433 with glycine.
Molecular consequence: missense variant. On other transcripts: non-coding transcript variant (1).
Genome position (GRCh38, 1-based): chr2:15,330,648, T>C on the plus strand (A>G on the coding strand, the complement: NBAS is on the minus strand). VCF-style: chr2-15330648-T-C. GRCh37 (hg19) VCF-style: chr2-15470772-T-C.
Other names: short protein forms S1433G.
Identifiers: ClinVar variation 1519068 (VCV001519068.8), dbSNP rs747693892, ClinGen allele CA1535710.